The following is an entry in ClinVar:

ClinVar aggregate classification (germline): Uncertain significance. Review status: criteria provided, multiple submitters, no conflicts (2 of 4 stars). 2 submissions from 2 submitters: Uncertain significance (2). Last evaluated 2025-07-15.

Conditions:
Neonatal-onset encephalopathy with rigidity and seizures. Also called: Lethal neonatal spasticity-epileptic encephalopathy syndrome. Identifiers: Orphanet 435845, MedGen C3281029, MONDO:0013784, OMIM 614498.

Allele frequency attached by ClinVar (database versions not stated): gnomAD 0.00002; TOPMed 0.00002.
gnomAD v4.1: 7 of 1,555,936 alleles (0.00045%); highest among the groups gnomAD compares: Non-Finnish European, 0.00061%; no homozygotes.

Submissions (2):

GeneDx
Classification: Uncertain significance. Last evaluated: 2025-07-15. Review status: criteria provided, single submitter. Criteria: GeneDx Variant Classification Process June 2021. Collection method: clinical testing. Allele origin: germline. Affected: yes.
Comment: Not observed at significant frequency in large population cohorts (gnomAD); In silico analysis suggests that this missense variant does not alter protein structure/function; Has not been previously published as pathogenic or benign to our knowledge

Labcorp Genetics (formerly Invitae), Labcorp
Classification: Uncertain significance for Neonatal-onset encephalopathy with rigidity and seizures. Last evaluated: 2020-02-07. Review status: criteria provided, single submitter. Criteria: Invitae Variant Classification Sherloc (09022015). Collection method: clinical testing. Allele origin: germline.
Comment: Algorithms developed to predict the effect of missense changes on protein structure and function (SIFT, PolyPhen-2, Align-GVGD) all suggest that this variant is likely to be tolerated, but these predictions have not been confirmed by published functional studies and their clinical significance is uncertain. In summary, the available evidence is currently insufficient to determine the role of this variant in disease. Therefore, it has been classified as a Variant of Uncertain Significance. Algorithms developed to predict the effect of sequence changes on RNA splicing suggest that this variant may create or strengthen a splice site, but this prediction has not been confirmed by published transcriptional studies. This variant has not been reported in the literature in individuals with BRAT1-related conditions. This variant is not present in population databases (ExAC no frequency). This sequence change replaces alanine with valine at codon 245 of the BRAT1 protein (p.Ala245Val). The alanine residue is moderately conserved and there is a small physicochemical difference between alanine and valine.

NM_152743.4(BRAT1):c.734C>T (p.Ala245Val)

Gene: BRAT1 (BRCA1 associated ATM activator 1; minus strand). Cytogenetic location: 7p22.3.
Variant type: single nucleotide variant.
Coding change: c.734C>T on transcript NM_152743.4 (MANE Select); coding-DNA position 734, C replaced by T.
Protein change: p.Ala245Val; replaces alanine 245 with valine.
Molecular consequence: missense variant. On other transcripts: non-coding transcript variant (1).
Genome position (GRCh38, 1-based): chr7:2,543,659, G>A on the plus strand (C>T on the coding strand, the complement: BRAT1 is on the minus strand). VCF-style: chr7-2543659-G-A. GRCh37 (hg19) VCF-style: chr7-2583293-G-A.
Other names: c.734C>T (NM_152743.3); c.734C>T, p.Ala245Val (NM_001350626.2); c.209C>T, p.Ala70Val (NM_001350627.2); short protein forms A245V, A70V.
Identifiers: ClinVar variation 1004226 (VCV001004226.10), dbSNP rs1453008908, ClinGen allele CA366631889.
Genomic context (GRCh38, chr7:2,543,659, plus strand): 5'-CAGAGAAGCAGGTCCACGAACGAGTGTGCGGCGGGGATGGGGTCTCTCTCCAGCAGACAG[G>A]CCACGCGGGGACTCAGCCGCACCCACAGGGCTTCCGTCCAGGGGCTCTGGCAGCGCCCGA-3'
Protein context (NP_689956.2, residues 235-255): ALWVRLSPRV[Ala245Val]CLLERDPIPA